The following is an entry in ClinVar:

ClinVar aggregate classification (germline): Conflicting classifications of pathogenicity. Review status: criteria provided, conflicting classifications (1 of 4 stars). 2 submissions from 2 submitters: Pathogenic (1); Uncertain significance (1). Last evaluated 2025-04-15.

Conditions:
Inborn genetic diseases. Identifiers: MedGen C0950123, MeSH D030342.
Neuropathy, hereditary sensory and autonomic, type 2A (HSAN2A). Also called: MORVAN DISEASE; NEUROPATHY, CONGENITAL SENSORY; NEUROPATHY, HEREDITARY SENSORY RADICULAR, AUTOSOMAL RECESSIVE; NEUROPATHY, HEREDITARY SENSORY, TYPE IIA; NEUROPATHY, PROGRESSIVE SENSORY, OF CHILDREN; WNK1-Related HSAN2 (HSAN2A). Identifiers: Orphanet 970, MedGen C2752089, MONDO:0024309, OMIM 201300.
Pseudohypoaldosteronism type 2C (PHA2C). Also called: Pseudohypoaldosteronism Type IIC. Identifiers: Orphanet 757, Orphanet 88940, MedGen C1840391, MONDO:0013778, OMIM 614492.

Submissions (2):

Labcorp Genetics (formerly Invitae), Labcorp
Classification: Uncertain significance for Neuropathy, hereditary sensory and autonomic, type 2A; Pseudohypoaldosteronism type 2C. Last evaluated: 2025-04-15. Review status: criteria provided, single submitter. Criteria: Invitae Variant Classification Sherloc (09022015). Collection method: clinical testing. Allele origin: germline.
Comment: This sequence change creates a premature translational stop signal (p.Thr744Profs*97) in the WNK1 gene. However, it is currently unclear if variants that occur in this region of the gene cause disease. This variant is not present in population databases (gnomAD no frequency). This variant has not been reported in the literature in individuals affected with WNK1-related conditions. ClinVar contains an entry for this variant (Variation ID: 1060396). Experimental studies and prediction algorithms are not available or were not evaluated, and the functional significance of this variant is currently unknown. In summary, the available evidence is currently insufficient to determine the role of this variant in disease. Therefore, it has been classified as a Variant of Uncertain Significance.

Ambry Genetics
Classification: Pathogenic for Inborn genetic diseases. Last evaluated: 2020-02-14. Review status: criteria provided, single submitter. Criteria: Ambry Variant Classification Scheme 2023. Collection method: clinical testing. Allele origin: germline.
Comment: The c.2228_2229dupCC pathogenic mutation, located in coding exon 9 of the WNK1 gene, results from a duplication of CC at nucleotide position 2228, causing a translational frameshift with a predicted alternate stop codon (p.T744Pfs*97). This alteration is expected to result in loss of function by premature protein truncation or nonsense-mediated mRNA decay. As such, this alteration is interpreted as a disease-causing mutation.

NM_213655.5(WNK1):c.2228_2229dup (p.Thr744fs)

Gene: WNK1 (WNK lysine deficient protein kinase 1; plus strand). Cytogenetic location: 12p13.33.
Variant type: Duplication.
Coding change: c.2228_2229dup on transcript NM_213655.5 (MANE Plus Clinical); coding-DNA positions 2228 to 2229, 2 bases duplicated (CC; older notation c.2228_2229dupCC).
Protein change: p.Thr744fs; shifts the reading frame from threonine 744.
Molecular consequence: frameshift variant. On other transcripts: intron variant (3).
Genome position (GRCh38, 1-based): chr12:865,198-865,199, CC duplicated; duplicating any 2 consecutive bases within chr12:865,196-865,199 gives the same sequence; the c. name uses the placement nearest the transcript's 3' end. VCF-style (leftmost placement, unchanged base first): chr12-865195-A-ACC. GRCh37 (hg19) VCF-style: chr12-974361-A-ACC.
Other names: c.2140-2668_2140-2667dup (NM_001184985.2); c.2139+2928_2139+2929dup (NM_018979.4, NM_014823.3); short protein forms T744fs.
Identifiers: ClinVar variation 1060396 (VCV001060396.8), dbSNP rs1307515994, ClinGen allele CA692931483.